The following is an entry in ClinVar:

NM_004415.4(DSP):c.4107_4108delinsTG (p.Glu1369_Ile1370delinsAspVal)

Gene: DSP (desmoplakin; plus strand). Cytogenetic location: 6p24.3.
Variant type: Indel.
Coding change: c.4107_4108delinsTG on transcript NM_004415.4 (MANE Select); coding-DNA positions 4107 to 4108, GA replaced by TG.
Protein change: p.Glu1369_Ile1370delinsAspVal.
Molecular consequence: missense variant. On other transcripts: intron variant (2).
Genome position (GRCh38, 1-based): chr6:7,580,297-7,580,298, GA replaced by TG. VCF-style: chr6-7580297-GA-TG. GRCh37 (hg19) VCF-style: chr6-7580530-GA-TG.
Other names: c.4050+57_4050+58delinsTG (NM_001319034.2); c.3582+525_3582+526delinsTG (NM_001008844.3).
Identifiers: ClinVar variation 922020 (VCV000922020.16), dbSNP rs1759384287, ClinGen allele CA1139659412.

ClinVar aggregate classification (germline): Uncertain significance. Review status: criteria provided, multiple submitters, no conflicts (2 of 4 stars). 2 submissions from 2 submitters: Uncertain significance (2). Last evaluated 2023-12-05.

Conditions:
Arrhythmogenic right ventricular dysplasia 8 (ARVD8). Also called: Arrhythmogenic Right Ventricular Dysplasia/Cardiomyopathy 8; ARRHYTHMOGENIC RIGHT VENTRICULAR DYSPLASIA, FAMILIAL, 8; ARRHYTHMOGENIC RIGHT VENTRICULAR CARDIOMYOPATHY 8. Identifiers: MedGen C1843896, MONDO:0011831, OMIM 607450.
Arrhythmogenic cardiomyopathy with wooly hair and keratoderma. Also called: PALMOPLANTAR KERATODERMA WITH LEFT VENTRICULAR CARDIOMYOPATHY AND WOOLLY HAIR; Carvajal syndrome; Dilated cardiomyopathy with woolly hair and keratoderma; Arrhythmogenic cardiomyopathy with woolly hair and keratoderma. Identifiers: Orphanet 65282, MedGen C1854063, MONDO:0011581, OMIM 605676.
Cardiomyopathy (CMYO). Also called: Cardiomyopathies. Identifiers: Orphanet 167848, MedGen C0878544, MONDO:0004994, HP:0001638. Inheritance: Various modes of inheritance.

Submissions (2):

Color Diagnostics, LLC DBA Color Health
Classification: Uncertain significance for Cardiomyopathy. Last evaluated: 2023-12-05. Review status: criteria provided, single submitter. Criteria: ACMG Guidelines, 2015. Collection method: clinical testing. Allele origin: germline.
Comment: This variant changes two consecutive amino acids of the DSP protein (Glu1369Asp and Ile1370Val). To our knowledge, functional studies have not been reported for this variant. This variant has not been reported in individuals affected with cardiovascular disorders in the literature. This variant has not been identified in the general population by the Genome Aggregation Database (gnomAD). The available evidence is insufficient to determine the role of this variant in disease conclusively. Therefore, this variant is classified as a Variant of Uncertain Significance.

Labcorp Genetics (formerly Invitae), Labcorp
Classification: Uncertain significance for Arrhythmogenic cardiomyopathy with wooly hair and keratoderma; Arrhythmogenic right ventricular dysplasia 8. Last evaluated: 2021-06-17. Review status: criteria provided, single submitter. Criteria: Invitae Variant Classification Sherloc (09022015). Collection method: clinical testing. Allele origin: germline.
Comment: The frequency data for this variant in the population databases is not available, as this variant may be reported as separate entries in the ExAC database. This variant has not been reported in the literature in individuals with DSP-related conditions. ClinVar contains an entry for this variant (Variation ID: 922020). Experimental studies and prediction algorithms are not available or were not evaluated, and the functional significance of this variant is currently unknown. In summary, the available evidence is currently insufficient to determine the role of this variant in disease. Therefore, it has been classified as a Variant of Uncertain Significance. This variant, c.4107_4108delinsTG, is a complex sequence change that results in the deletion of 2 and insertion of 2 amino acid(s) in the DSP protein (p.Glu1369_Ile1370delinsAspVal).